The following is an entry in ClinVar:

NM_006030.4(CACNA2D2):c.2336A>G (p.Asn779Ser)

Genes: CACNA2D2 (calcium voltage-gated channel auxiliary subunit alpha2delta 2; minus strand), LOC101928965 (uncharacterized LOC101928965; plus strand), LOC127898564 (CYB561D2-LOC101928965; plus strand). Cytogenetic location: 3p21.31.
Variant type: single nucleotide variant.
Coding change: c.2336A>G on transcript NM_006030.4 (MANE Select); coding-DNA position 2336, A replaced by G.
Protein change: p.Asn779Ser; replaces asparagine 779 with serine.
Molecular consequence: missense variant.
Genome position (GRCh38, 1-based): chr3:50,367,459, T>C on the plus strand (A>G on the coding strand, the complement: CACNA2D2 is on the minus strand). VCF-style: chr3-50367459-T-C. GRCh37 (hg19) VCF-style: chr3-50404890-T-C.
Other names: c.2336A>G, p.Asn779Ser (NM_001005505.3); c.2357A>G, p.Asn786Ser (NM_001174051.3); c.2129A>G, p.Asn710Ser (NM_001291101.1); short protein forms N710S, N779S, N786S.
Identifiers: ClinVar variation 1000188 (VCV001000188.4), dbSNP rs780364290, ClinGen allele CA352913521.

ClinVar aggregate classification (germline): Uncertain significance (1 of 4 stars; one submission).

Conditions:
Developmental and epileptic encephalopathy. Identifiers: MedGen C5779964, MONDO:0100620.

gnomAD v4.1: 3 of 1,613,742 alleles (0.00019%); highest among the groups gnomAD compares: African/African-American, 0.0013%; no homozygotes.

Submission:

Labcorp Genetics (formerly Invitae), Labcorp
Classification: Uncertain significance for Early-infantile DEE. Last evaluated: 2023-08-10. Review status: criteria provided, single submitter. Criteria: Invitae Variant Classification Sherloc (09022015). Collection method: clinical testing. Allele origin: germline.
Comment: This sequence change replaces asparagine, which is neutral and polar, with serine, which is neutral and polar, at codon 779 of the CACNA2D2 protein (p.Asn779Ser). This variant is present in population databases (no rsID available, gnomAD no frequency). This variant has not been reported in the literature in individuals affected with CACNA2D2-related conditions. ClinVar contains an entry for this variant (Variation ID: 1000188). An algorithm developed to predict the effect of missense changes on protein structure and function (PolyPhen-2) suggests that this variant¬†is likely to be tolerated. In summary, the available evidence is currently insufficient to determine the role of this variant in disease. Therefore, it has been classified as a Variant of Uncertain Significance.